The following is an entry in ClinVar:

ClinVar aggregate classification (germline): Benign. Review status: criteria provided, multiple submitters, no conflicts (2 of 4 stars). 8 submissions from 8 submitters: Benign (6). 2 of the submissions do not count toward it. Last evaluated 2026-02-04.

Conditions:
Emery-Dreifuss muscular dystrophy 5, autosomal dominant (EDMD5). Also called: EMERY-DREIFUSS MUSCULAR DYSTROPHY 5. Identifiers: Orphanet 261, MedGen C2751805, MONDO:0013072, OMIM 612999.

Allele frequency attached by ClinVar (database versions not stated): 1000 Genomes Project 0.86182; 1000 Genomes Project 30x 0.86259; ExAC 0.90676; gnomAD exomes 0.90844 and 0.92915; TOPMed 0.90865; gnomAD 0.90874 and 0.91221; ESP Exome Variant Server 0.91241.
gnomAD v4.1: 1,495,533 of 1,614,086 alleles (93%); highest among the groups gnomAD compares: Non-Finnish European, 94%; 694,149 homozygotes.

Submissions (8):

Labcorp Genetics (formerly Invitae), Labcorp
Classification: Benign for Emery-Dreifuss muscular dystrophy 5, autosomal dominant. Last evaluated: 2026-02-04. Review status: criteria provided, single submitter. Criteria: Invitae Variant Classification Sherloc (09022015). Collection method: clinical testing. Allele origin: germline.

Genome-Nilou Lab
Classification: Benign for Emery-Dreifuss muscular dystrophy 5, autosomal dominant. Last evaluated: 2021-07-15. Review status: criteria provided, single submitter. Criteria: ACMG Guidelines, 2015. Collection method: clinical testing. Allele origin: germline. Affected: no.

GeneDx
Classification: Benign. Last evaluated: 2018-07-09. Review status: criteria provided, single submitter. Criteria: GeneDx Variant Classification Process June 2021. Collection method: clinical testing. Allele origin: germline. Affected: yes.

Illumina Laboratory Services, Illumina
Classification: Benign for Emery-Dreifuss muscular dystrophy 5, autosomal dominant. Last evaluated: 2018-01-12. Review status: criteria provided, single submitter. Criteria: ICSL Variant Classification Criteria 13 December 2019. Collection method: clinical testing. Allele origin: germline.
Comment: This variant was observed in the ICSL laboratory as part of a predisposition screen in an ostensibly healthy population. It had not been previously curated by ICSL or reported in the Human Gene Mutation Database (HGMD: prior to June 1st, 2018), and was therefore a candidate for classification through an automated scoring system. Utilizing variant allele frequency, disease prevalence and penetrance estimates, and inheritance mode, an automated score was calculated to assess if this variant is too frequent to cause the disease. Based on the score and internal cut-off values, a variant classified as benign is not then subjected to further curation. The score for this variant resulted in a classification of benign for this disease.

Genetic Services Laboratory, University of Chicago
Classification: Benign for AllHighlyPenetrant. Last evaluated: 2013-08-15. Review status: criteria provided, single submitter. Criteria: ACMG Guidelines, 2007. Collection method: clinical testing. Allele origin: germline. Inheritance: Autosomal dominant inheritance.

Breakthrough Genomics
Classification: Benign. Review status: criteria provided, single submitter. Criteria: ACMG Guidelines, 2015. Collection method: not provided. Allele origin: germline. Inheritance: Autosomal dominant inheritance. Affected: yes.

Clinical Genetics, Academic Medical Center
Classification: Benign. Review status: no assertion criteria provided. Collection method: clinical testing. Allele origin: germline. Affected: yes. Study: VKGL Data-share Consensus. Not counted in ClinVar's aggregate classification.

Diagnostic Laboratory, Department of Genetics, University Medical Center Groningen
Classification: Benign for Emery-Dreifuss muscular dystrophy 5, autosomal dominant. Review status: no assertion criteria provided. Collection method: clinical testing. Allele origin: germline. Affected: yes. Study: VKGL Data-share Consensus. Not counted in ClinVar's aggregate classification.

NM_182914.3(SYNE2):c.8404A>G (p.Ser2802Gly)

Gene: SYNE2 (spectrin repeat containing nuclear envelope protein 2; plus strand). Cytogenetic location: 14q23.2.
Variant type: single nucleotide variant.
Coding change: c.8404A>G on transcript NM_182914.3 (MANE Select); coding-DNA position 8404, A replaced by G.
Protein change: p.Ser2802Gly; replaces serine 2802 with glycine.
Molecular consequence: missense variant.
Genome position (GRCh38, 1-based): chr14:64,052,317, A>G. VCF-style: chr14-64052317-A-G. GRCh37 (hg19) VCF-style: chr14-64519035-A-G.
Other names: c.8404A>G, p.Ser2802Gly (NM_015180.6); short protein forms S2802G.
Identifiers: ClinVar variation 130513 (VCV000130513.23), dbSNP rs1890908, ClinGen allele CA155610.